The following is an entry in ClinVar:

NM_000400.4(ERCC2):c.1969A>T (p.Met657Leu)

Gene: ERCC2 (ERCC excision repair 2, TFIIH core complex helicase subunit; minus strand). Cytogenetic location: 19q13.32.
Variant type: single nucleotide variant.
Coding change: c.1969A>T on transcript NM_000400.4 (MANE Select); coding-DNA position 1969, A replaced by T.
Protein change: p.Met657Leu; replaces methionine 657 with leucine.
Molecular consequence: missense variant.
Genome position (GRCh38, 1-based): chr19:45,352,583, T>A on the plus strand (A>T on the coding strand, the complement: ERCC2 is on the minus strand). VCF-style: chr19-45352583-T-A. GRCh37 (hg19) VCF-style: chr19-45855841-T-A.
Other names: short protein forms M657L.
Identifiers: ClinVar variation 1783563 (VCV001783563.2), dbSNP rs1340904003, ClinGen allele CA406363232.
Genomic context (GRCh38, chr19:45,352,583, plus strand): 5'-TGAGGCCGTAGTCCGTCTTGCCCCTGATGGCCCGACCCACACACTGGGCCGCGTGGCGCA[T>A]GGCATCGAAGGTAAGAAAGTCATTCTCACGAATCTGGAACTGGTCCCGCAGGTATTCCAG-3'
Protein context (NP_000391.1, residues 647-667): RENDFLTFDA[Met657Leu]RHAAQCVGRA

ClinVar aggregate classification (germline): Uncertain significance (1 of 4 stars; one submission).

Conditions:
Inborn genetic diseases. Identifiers: MedGen C0950123, MeSH D030342.

Submission:

Ambry Genetics
Classification: Uncertain significance for Inborn genetic diseases. Last evaluated: 2022-06-28. Review status: criteria provided, single submitter. Criteria: Ambry Variant Classification Scheme 2023. Collection method: clinical testing. Allele origin: germline.
Comment: The p.M657L variant (also known as c.1969A>T), located in coding exon 21 of the ERCC2 gene, results from an A to T substitution at nucleotide position 1969. The methionine at codon 657 is replaced by leucine, an amino acid with highly similar properties. This amino acid position is conserved. In addition, this alteration is predicted to be deleterious by in silico analysis. Since supporting evidence is limited at this time, the clinical significance of this alteration remains unclear.